The following is an entry in ClinVar:

NM_000391.4(TPP1):c.605C>T (p.Pro202Leu)

Gene: TPP1 (tripeptidyl peptidase 1; minus strand). Cytogenetic location: 11p15.4.
Variant type: single nucleotide variant.
Coding change: c.605C>T on transcript NM_000391.4 (MANE Select); coding-DNA position 605, C replaced by T.
Protein change: p.Pro202Leu; replaces proline 202 with leucine.
Molecular consequence: missense variant.
Genome position (GRCh38, 1-based): chr11:6,617,057, G>A on the plus strand (C>T on the coding strand, the complement: TPP1 is on the minus strand). VCF-style: chr11-6617057-G-A. GRCh37 (hg19) VCF-style: chr11-6638288-G-A.
Other names: short protein forms P202L.
Identifiers: ClinVar variation 68747 (VCV000068747.10), dbSNP rs121908205, ClinGen allele CA266189.
Genomic context (GRCh38, chr11:6,617,057, plus strand): 5'-TTGCTGGTGCCAGAGCCCACGTCTTGTGAGGTCAAGTTGTATCGCTTACGGATCACAGAG[G>A]GGGTTACCCCCAGATGCAGGCCTACAGTCCCTGTCACCTGCGGCTCAGGACGTTGCCTCA-3'
Protein context (NP_000382.3, residues 192-212): GTVGLHLGVT[Pro202Leu]SVIRKRYNLT

ClinVar aggregate classification (germline): Pathogenic/Likely pathogenic. Review status: criteria provided, multiple submitters, no conflicts (2 of 4 stars). 4 submissions from 4 submitters: Pathogenic (1); Likely pathogenic (1). 2 of the submissions do not count toward it. Last evaluated 2025-04-22.

Conditions:
Neuronal ceroid lipofuscinosis 2. Also called: TPP1-Related Neuronal Ceroid-Lipofuscinosis; JANSKY-BIELSCHOWSKY DISEASE NEURONAL CEROID LIPOFUSCINOSIS, LATE INFANTILE. Identifiers: Orphanet 168491, Orphanet 228349, Orphanet 79264, MedGen C1876161, MONDO:0008769, OMIM 204500.

Allele frequency attached by ClinVar (database versions not stated): gnomAD exomes below 0.00001; TOPMed below 0.00001.
gnomAD v4.1: 3 of 1,614,156 alleles (0.00019%); highest among the groups gnomAD compares: African/African-American, 0.004%; no homozygotes.

Submissions (4):

Natera, Inc.
Classification: Likely pathogenic for Neuronal ceroid lipofuscinosis 2. Last evaluated: 2025-04-22. Review status: criteria provided, single submitter. Criteria: Natera Variant Classification Schema (03/2026). Collection method: clinical testing. Allele origin: germline.
Comment: The c.605C>T variant in TPP1 is a missense variant predicted to cause substitution of proline to leucine at amino acid 202. This variant is rare in the general population with a frequency below the threshold expected for the associated phenotype(s). This variant has been observed in one or more individuals affected with the associated recessive disease, as either homozygous or compound heterozygous with a second variant (PMID: 39821609). Functional studies show that this variant may disrupt protein function (PMID: 20340139). Computational prediction algorithms indicate this variant is likely to affect gene or protein function. Given the available evidence, this variant is classified as Likely Pathogenic.

Labcorp Genetics (formerly Invitae), Labcorp
Classification: Pathogenic. Last evaluated: 2024-11-28. Review status: criteria provided, single submitter. Criteria: Invitae Variant Classification Sherloc (09022015). Collection method: clinical testing. Allele origin: germline.
Comment: This sequence change replaces proline, which is neutral and non-polar, with leucine, which is neutral and non-polar, at codon 202 of the TPP1 protein (p.Pro202Leu). This variant is not present in population databases (gnomAD no frequency). This missense change has been observed in individual(s) with neuronal ceroid lipofuscinosis (PMID: 11589012; internal data). In at least one individual the data is consistent with being in trans (on the opposite chromosome) from a pathogenic variant. ClinVar contains an entry for this variant (Variation ID: 68747). Invitae Evidence Modeling of protein sequence and biophysical properties (such as structural, functional, and spatial information, amino acid conservation, physicochemical variation, residue mobility, and thermodynamic stability) indicates that this missense variant is expected to disrupt TPP1 protein function with a positive predictive value of 95%. Experimental studies have shown that this missense change affects TPP1 function (PMID: 20340139). For these reasons, this variant has been classified as Pathogenic.

Counsyl
Classification: Likely pathogenic for Ceroid lipofuscinosis, neuronal, 2. Last evaluated: 2014-06-13. Review status: no assertion criteria provided. Collection method: literature only. Allele origin: unknown. Inheritance: Autosomal recessive inheritance. Not counted in ClinVar's aggregate classification.

UniProtKB/Swiss-Prot
No classification provided. Condition: Ceroid lipofuscinosis, neuronal, 2. Review status: no classification provided. Collection method: not provided. Allele origin: not provided. Not counted in ClinVar's aggregate classification.

Literature cited by the submitters: PubMed 39821609 (cited by Natera, Inc.); PubMed 20340139 (cited by 3 submitters); PubMed 11589012 (cited by Labcorp Genetics (formerly Invitae), Labcorp and Counsyl); PubMed 19038967 (cited by Counsyl); PubMed 12950156 (cited by Counsyl); PubMed 19038966 (cited by Counsyl).